The following is an entry in ClinVar:

NM_000540.3(RYR1):c.7033_7034dup (p.Ser2345fs)

Gene: RYR1 (ryanodine receptor 1; plus strand). Cytogenetic location: 19q13.2.
Variant type: Microsatellite.
Coding change: c.7033_7034dup on transcript NM_000540.3 (MANE Select); coding-DNA positions 7033 to 7034, 2 bases duplicated (AG; older notation c.7033_7034dupAG).
Protein change: p.Ser2345fs; shifts the reading frame from serine 2345.
Molecular consequence: frameshift variant.
Genome position (GRCh38, 1-based): chr19:38,499,640-38,499,641, AG duplicated; duplicating any 2 consecutive bases within chr19:38,499,637-38,499,641 gives the same sequence; the c. name uses the placement nearest the transcript's 3' end. VCF-style (leftmost placement, unchanged base first): chr19-38499636-C-CGA. GRCh37 (hg19) VCF-style: chr19-38990276-C-CGA.
Other names: c.7033_7034dup, p.Ser2345fs (NM_001042723.2); short protein forms S2345fs.
Identifiers: ClinVar variation 3385440 (VCV003385440.1).

ClinVar aggregate classification (germline): Uncertain significance (1 of 4 stars; one submission).

Conditions:
Malignant hyperthermia, susceptibility to, 1 (MHS1). Also called: Anesthesia related hyperthermia; Malignant hyperpyrexia; Fulminating hyperpyrexia; Pharmacogenic myopathy; Malignant hyperthermia suceptibility 1; RYR1-Related Malignant Hyperthermia Susceptibility. Identifiers: Orphanet 423, MedGen C2930980, MONDO:0007783, OMIM 145600.

Submission:

All of Us Research Program, National Institutes of Health
Classification: Uncertain significance for Malignant hyperthermia, susceptibility to, 1. Last evaluated: 2024-02-22. Review status: criteria provided, single submitter. Criteria: ACMG Guidelines, 2015. Collection method: clinical testing. Allele origin: germline. Inheritance: Autosomal dominant inheritance. Observed: 1 variant allele, 1 heterozygote.
Comment: This variant inserts 2 nucleotides in exon 44 of the RYR1 gene, creating a frameshift and premature translation stop signal. This variant is expected to result in an absent protein product. To our knowledge, this variant has not been reported in individuals affected with RYR1-related disorders in the literature. This variant has not been identified in the general population by the Genome Aggregation Database (gnomAD). Loss of RYR1 function due to truncation variants is not an established disease mechanism for autosomal dominant malignant hyperthermia, although it is associated with other phenotype(s). Due to insufficient evidence, this variant is classified as a Variant of Uncertain Significance for autosomal dominant malignant hyperthermia.

This study involves interpretation of variants in research participants for the purpose of population health screening. Participant phenotype was not available at the time of variant classification. Additional details can be found in publication PMID: 35346344, PMCID: PMC8962531